The following is an entry in ClinVar:

NM_002470.4(MYH3):c.1715G>A (p.Gly572Asp)

Gene: MYH3 (myosin heavy chain 3; minus strand). Cytogenetic location: 17p13.1.
Variant type: single nucleotide variant.
Coding change: c.1715G>A on transcript NM_002470.4 (MANE Select); coding-DNA position 1715, G replaced by A.
Protein change: p.Gly572Asp; replaces glycine 572 with aspartic acid.
Molecular consequence: missense variant.
Genome position (GRCh38, 1-based): chr17:10,642,590, C>T on the plus strand (G>A on the coding strand, the complement: MYH3 is on the minus strand). VCF-style: chr17-10642590-C-T. GRCh37 (hg19) VCF-style: chr17-10545907-C-T.
Other names: short protein forms G572D.
Identifiers: ClinVar variation 2096246 (VCV002096246.4), dbSNP rs879174054, ClinGen allele CA287787872.

ClinVar aggregate classification (germline): Uncertain significance (1 of 4 stars; one submission).

Allele frequency attached by ClinVar (database versions not stated): gnomAD exomes 0.00001.
gnomAD v4.1: 3 of 1,614,206 alleles (0.00019%); highest among the groups gnomAD compares: East Asian, 0.0067%; no homozygotes.

Submission:

Labcorp Genetics (formerly Invitae), Labcorp
Classification: Uncertain significance. Last evaluated: 2025-12-02. Review status: criteria provided, single submitter. Criteria: Invitae Variant Classification Sherloc (09022015). Collection method: clinical testing. Allele origin: germline.
Comment: This sequence change replaces glycine, which is neutral and non-polar, with aspartic acid, which is acidic and polar, at codon 572 of the MYH3 protein (p.Gly572Asp). This variant is not present in population databases (gnomAD no frequency). This variant has not been reported in the literature in individuals affected with MYH3-related conditions. ClinVar contains an entry for this variant (Variation ID: 2096246). Invitae Evidence Modeling of protein sequence and biophysical properties (such as structural, functional, and spatial information, amino acid conservation, physicochemical variation, residue mobility, and thermodynamic stability) indicates that this missense variant is not expected to disrupt MYH3 protein function with a negative predictive value of 95%. In summary, the available evidence is currently insufficient to determine the role of this variant in disease. Therefore, it has been classified as a Variant of Uncertain Significance.